The following is an entry in ClinVar:

NM_001848.3(COL6A1):c.1234G>A (p.Glu412Lys)

Gene: COL6A1 (collagen type VI alpha 1 chain; plus strand). Cytogenetic location: 21q22.3.
Variant type: single nucleotide variant.
Coding change: c.1234G>A on transcript NM_001848.3 (MANE Select); coding-DNA position 1234, G replaced by A.
Protein change: p.Glu412Lys; replaces glutamic acid 412 with lysine.
Molecular consequence: missense variant.
Genome position (GRCh38, 1-based): chr21:45,992,215, G>A. VCF-style: chr21-45992215-G-A. GRCh37 (hg19) VCF-style: chr21-47412129-G-A.
Other names: short protein forms E412K.
Identifiers: ClinVar variation 290633 (VCV000290633.15), dbSNP rs751779784, ClinGen allele CA10070167.
Genomic context (GRCh38, chr21:45,992,215, plus strand): 5'-TCCCCACAGGGCCAGCCGGGAGAGCCTGGGCCCCCCGGAGAGAAAGGAGAGGCGGGCGAC[G>A]AGGTGAGTGAGGGCTCCTGACACCTTCCTGGGGAAGTGCATGGCCTCAGCTTCTGATCCT-3'
Protein context (NP_001839.2, residues 402-422): PPGEKGEAGD[Glu412Lys]GNPGPDGAPG

ClinVar aggregate classification (germline): Uncertain significance. Review status: criteria provided, multiple submitters, no conflicts (2 of 4 stars). 3 submissions from 3 submitters: Uncertain significance (3). Last evaluated 2025-03-22.

Conditions:
Inborn genetic diseases. Identifiers: MedGen C0950123, MeSH D030342.
Bethlem myopathy 1A. Also called: Bethlem Muscular Dystrophy; MYOPATHY, BENIGN CONGENITAL, WITH CONTRACTURES; Bethlem myopathy 1. Identifiers: Orphanet 610, MedGen CN029274, MONDO:0024530, OMIM 158810.

Allele frequency attached by ClinVar (database versions not stated): gnomAD 0.00001; gnomAD exomes 0.00002 and 0.00006; TOPMed 0.00003; ExAC 0.00005.
gnomAD v4.1: 37 of 1,613,410 alleles (0.0023%); highest among the groups gnomAD compares: South Asian, 0.023%; no homozygotes.

Submissions (3):

Labcorp Genetics (formerly Invitae), Labcorp
Classification: Uncertain significance for Bethlem myopathy 1A. Last evaluated: 2025-03-22. Review status: criteria provided, single submitter. Criteria: Invitae Variant Classification Sherloc (09022015). Collection method: clinical testing. Allele origin: germline.
Comment: This sequence change replaces glutamic acid, which is acidic and polar, with lysine, which is basic and polar, at codon 412 of the COL6A1 protein (p.Glu412Lys). This variant is present in population databases (rs751779784, gnomAD 0.03%). This variant has not been reported in the literature in individuals affected with COL6A1-related conditions. ClinVar contains an entry for this variant (Variation ID: 290633). Experimental studies and prediction algorithms are not available or were not evaluated, and the functional significance of this variant is currently unknown. In summary, the available evidence is currently insufficient to determine the role of this variant in disease. Therefore, it has been classified as a Variant of Uncertain Significance.

Ambry Genetics
Classification: Uncertain significance for Inborn genetic diseases. Last evaluated: 2024-09-30. Review status: criteria provided, single submitter. Criteria: Ambry Variant Classification Scheme 2023. Collection method: clinical testing. Allele origin: germline.

Eurofins Ntd Llc (ga)
Classification: Uncertain significance. Last evaluated: 2016-08-23. Review status: criteria provided, single submitter. Criteria: EGL Classification Definitions 2015. Collection method: clinical testing. Allele origin: germline. Observed: 1 variant allele, 1 heterozygote.